The following is an entry in ClinVar:

ClinVar aggregate classification (germline): Likely benign (1 of 4 stars; one submission).

Submission:

CeGaT Center for Human Genetics Tuebingen
Classification: Likely benign. Last evaluated: 2024-09-01. Review status: criteria provided, single submitter. Criteria: CeGaT Center For Human Genetics Tuebingen Variant Classification Criteria Version 2. Collection method: clinical testing. Allele origin: germline. Affected: yes. Observed: 1 variant allele.
Comment: INF2: BP4, BP7

NM_022489.4(INF2):c.1320T>C (p.Pro440=)

Gene: INF2 (inverted formin 2; plus strand). Cytogenetic location: 14q32.33.
Variant type: single nucleotide variant.
Coding change: c.1320T>C on transcript NM_022489.4 (MANE Select); coding-DNA position 1320, T replaced by C.
Protein change: p.Pro440=; no amino-acid change (proline 440 retained).
Molecular consequence: synonymous variant. On other transcripts: non-coding transcript variant (1).
Genome position (GRCh38, 1-based): chr14:104,707,587, T>C. VCF-style: chr14-104707587-T-C. GRCh37 (hg19) VCF-style: chr14-105173924-T-C.
Other names: c.1320T>C, p.Pro440= (NM_001031714.4, NM_001426862.1, NM_001426863.1 and 2 more transcripts).
Identifiers: ClinVar variation 3388367 (VCV003388367.14).